The following is an entry in ClinVar:

ClinVar aggregate classification (germline): Conflicting classifications of pathogenicity. Review status: criteria provided, conflicting classifications (1 of 4 stars). 3 submissions from 3 submitters: Uncertain significance (1); Likely benign (1). 1 of the submissions does not count toward it. Last evaluated 2026-01-20.

Conditions:
BBS9-related disorder. Also called: BBS9-related condition.
Bardet-Biedl syndrome (BBS). Identifiers: Orphanet 110, MedGen C0752166, MONDO:0015229.

Allele frequency attached by ClinVar (database versions not stated): gnomAD exomes below 0.00001.
gnomAD v4.1: 3 of 1,581,602 alleles (0.00019%); highest among the groups gnomAD compares: Admixed American, 0.0051%; no homozygotes.

Submissions (3):

Labcorp Genetics (formerly Invitae), Labcorp
Classification: Likely benign for Bardet-Biedl syndrome. Last evaluated: 2026-01-20. Review status: criteria provided, single submitter. Criteria: Invitae Variant Classification Sherloc (09022015). Collection method: clinical testing. Allele origin: germline.

GeneDx
Classification: Uncertain significance. Last evaluated: 2025-07-02. Review status: criteria provided, single submitter. Criteria: GeneDx Variant Classification Process June 2021. Collection method: clinical testing. Allele origin: germline. Affected: yes.
Comment: Not observed at significant frequency in large population cohorts (gnomAD); In silico analysis suggests that this variant does not alter splicing; Has not been previously published as pathogenic or benign to our knowledge

PreventionGenetics, part of Exact Sciences
Classification: Likely benign for BBS9-related condition. Last evaluated: 2021-06-17. Review status: no assertion criteria provided. Collection method: clinical testing. Allele origin: germline. Not counted in ClinVar's aggregate classification.
Comment: This variant is classified as likely benign based on ACMG/AMP sequence variant interpretation guidelines (Richards et al. 2015 PMID: 25741868, with internal and published modifications).

NM_198428.3(BBS9):c.687T>G (p.Ser229=)

Gene: BBS9 (Bardet-Biedl syndrome 9; plus strand). Cytogenetic location: 7p14.3.
Variant type: single nucleotide variant.
Coding change: c.687T>G on transcript NM_198428.3 (MANE Select); coding-DNA position 687, T replaced by G.
Protein change: p.Ser229=; no amino-acid change (serine 229 retained).
Molecular consequence: synonymous variant. On other transcripts: non-coding transcript variant (3).
Genome position (GRCh38, 1-based): chr7:33,264,359, T>G. VCF-style: chr7-33264359-T-G. GRCh37 (hg19) VCF-style: chr7-33303971-T-G.
Other names: c.687T>G (NM_198428.2); c.687T>G, p.Ser229= (NM_001033604.2, NM_001033605.2, NM_001348036.1 and 7 more transcripts); c.321T>G, p.Ser107= (NM_001348037.3, NM_001348044.3, NM_001348045.3 and 1 more transcripts); c.414T>G, p.Ser138= (NM_001348038.3, NM_001348039.3); c.552T>G, p.Ser184= (NM_001348042.3).
Identifiers: ClinVar variation 2717722 (VCV002717722.5), dbSNP rs2535096128, ClinGen allele CA454457184.